The following is an entry in ClinVar:

ClinVar aggregate classification (germline): Uncertain significance (1 of 4 stars; one submission).

Submission:

Labcorp Genetics (formerly Invitae), Labcorp
Classification: Uncertain significance. Last evaluated: 2022-07-14. Review status: criteria provided, single submitter. Criteria: Invitae Variant Classification Sherloc (09022015). Collection method: clinical testing. Allele origin: germline.
Comment: This sequence change replaces asparagine, which is neutral and polar, with aspartic acid, which is acidic and polar, at codon 1362 of the CEP152 protein (p.Asn1362Asp). This variant is not present in population databases (gnomAD no frequency). This variant has not been reported in the literature in individuals affected with CEP152-related conditions. Algorithms developed to predict the effect of missense changes on protein structure and function output the following: SIFT: "Tolerated"; PolyPhen-2: "Benign"; Align-GVGD: "Class C0". The aspartic acid amino acid residue is found in multiple mammalian species, which suggests that this missense change does not adversely affect protein function. In summary, the available evidence is currently insufficient to determine the role of this variant in disease. Therefore, it has been classified as a Variant of Uncertain Significance.

NM_001194998.2(CEP152):c.4252A>G (p.Asn1418Asp)

Gene: CEP152 (centrosomal protein 152; minus strand). Cytogenetic location: 15q21.1.
Variant type: single nucleotide variant.
Coding change: c.4252A>G on transcript NM_001194998.2 (MANE Select); coding-DNA position 4252, A replaced by G.
Protein change: p.Asn1418Asp; replaces asparagine 1418 with aspartic acid.
Molecular consequence: missense variant.
Genome position (GRCh38, 1-based): chr15:48,739,130, T>C on the plus strand (A>G on the coding strand, the complement: CEP152 is on the minus strand). VCF-style: chr15-48739130-T-C. GRCh37 (hg19) VCF-style: chr15-49031327-T-C.
Other names: c.4084A>G, p.Asn1362Asp (NM_014985.4); short protein forms N1362D, N1418D.
Identifiers: ClinVar variation 2005952 (VCV002005952.4), dbSNP rs2505897899, ClinGen allele CA392335974.